The following is an entry in ClinVar:

NC_000010.11:g.79812006A>G

Gene: NUTM2B-AS1 (NUTM2B antisense RNA 1; minus strand). Cytogenetic location: 10q22.3.
Variant type: single nucleotide variant.
Genome position: GRCh38 VCF-style: chr10-79812006-A-G. GRCh37 (hg19) VCF-style: chr10-81571762-A-G.
Identifiers: ClinVar variation 2640645 (VCV002640645.24), dbSNP rs1363244969, ClinGen allele CA594691579.

ClinVar aggregate classification (germline): Likely benign (1 of 4 stars; one submission).

Allele frequency attached by ClinVar (database versions not stated): 1000 Genomes Project 30x 0.00109.

Submission:

CeGaT Center for Human Genetics Tuebingen
Classification: Likely benign. Last evaluated: 2023-01-01. Review status: criteria provided, single submitter. Criteria: CeGaT Center For Human Genetics Tuebingen Variant Classification Criteria Version 2. Collection method: clinical testing. Allele origin: germline. Affected: yes. Observed: 1 variant allele.
Comment: NUTM2B-AS1: BS2